The following is an entry in ClinVar:

NM_005883.3(APC2):c.1504A>C (p.Ser502Arg)

Gene: APC2 (APC regulator of Wnt signaling pathway 2; plus strand). Cytogenetic location: 19p13.3.
Variant type: single nucleotide variant.
Coding change: c.1504A>C on transcript NM_005883.3 (MANE Select); coding-DNA position 1504, A replaced by C.
Protein change: p.Ser502Arg; replaces serine 502 with arginine.
Molecular consequence: missense variant.
Genome position (GRCh38, 1-based): chr19:1,460,840, A>C. VCF-style: chr19-1460840-A-C. GRCh37 (hg19) VCF-style: chr19-1460839-A-C.
Other names: c.1501A>C, p.Ser501Arg (NM_001351273.1); short protein forms S501R, S502R.
Identifiers: ClinVar variation 2132913 (VCV002132913.4), dbSNP rs775783511, ClinGen allele CA403019594.

ClinVar aggregate classification (germline): Uncertain significance (1 of 4 stars; one submission).

gnomAD v4.1: 1 of 1,613,148 alleles (0.000062%); no homozygotes.

Submission:

Labcorp Genetics (formerly Invitae), Labcorp
Classification: Uncertain significance. Last evaluated: 2022-09-06. Review status: criteria provided, single submitter. Criteria: Invitae Variant Classification Sherloc (09022015). Collection method: clinical testing. Allele origin: germline.
Comment: In summary, the available evidence is currently insufficient to determine the role of this variant in disease. Therefore, it has been classified as a Variant of Uncertain Significance. Algorithms developed to predict the effect of missense changes on protein structure and function are either unavailable or do not agree on the potential impact of this missense change (SIFT: "Deleterious"; PolyPhen-2: "Probably Damaging"; Align-GVGD: "Class C0"). This variant has not been reported in the literature in individuals affected with APC2-related conditions. This variant is not present in population databases (gnomAD no frequency). This sequence change replaces serine, which is neutral and polar, with arginine, which is basic and polar, at codon 502 of the APC2 protein (p.Ser502Arg).